The following is an entry in ClinVar:

ClinVar aggregate classification (germline): Pathogenic. Review status: reviewed by expert panel (3 of 4 stars). 5 submissions from 5 submitters: Pathogenic (1). 4 of the submissions do not count toward it. Last evaluated 2026-07-16.

Conditions:
Mucopolysaccharidosis type 1. Also called: IDUA deficiency; MPS I; Mucopolysaccharidosis Type I. Identifiers: Orphanet 579, MedGen C0023786, MONDO:0001586.
Hurler syndrome. Also called: Severe MPS I (Hurler Syndrome); Gargoylism, Hurler Syndrome; MUCOPOLYSACCHARIDOSIS TYPE IH. Identifiers: Orphanet 93473, MedGen C0086795, MONDO:0011758, OMIM 607014.

gnomAD v4.1: 1 of 1,483,042 alleles (0.000067%); highest among the groups gnomAD compares: Middle Eastern, 0.024%; no homozygotes.

Submissions (5):

ClinGen Lysosomal Storage Disorder Variant Curation Expert Panel
Classification: Pathogenic for Mucopolysaccharidosis type 1. Last evaluated: 2026-07-16. Review status: reviewed by expert panel. Criteria: ClinGen LSD ACMG Specifications IDUA V1.2.0. Collection method: curation. Allele origin: germline. Inheritance: Autosomal recessive inheritance.
Comment: The NM_000203.5:c.1210G>T (p.Glu404Ter) variant in IDUA is a nonsense variant predicted to cause a premature stop codon in biologically-relevant-exon 9 out of 14 total exons, leading to nonsense mediated decay in a gene in which loss-of-function is an established disease mechanism (PVS1). At least 4 probands with a diagnosis of MPS I and this variant have been reported in the literature. Another proband and their sibling had clinical features described that are consistent with MPS I and were on enzyme replacement therapy (PMID: 27896125) (PP4_Moderate). One patient is homozygous for the variant (PMID: 7550242) (0.5 points). Three patients are compound heterozygous for the variant and another variant in IDUA, either p.Arg48del (PMID: 27896125), c.1877G>A (p.Trp626Ter) (PMID: 21480867), or c.1037T>G (p.Leu346Arg) (PMID: 21480867). The allelic data from these patients with be used in the assessment of the second variant and is not included here to avoid circular logic. Total 0.5 points (PM3_Supporting). The highest population minor allele frequency in gnomAD v4.1.0 is 0.0002373 (1/4214 alleles) in the Middle Eastern population, which is lower than the ClinGen Lysosomal Diseases VCEP’s threshold for PM2_Supporting (<0.00025), meeting this criterion (PM2_Supporting). There is a ClinVar entry for this variant (Variation ID: 552095). In summary, this variant meets the criteria to be classified a pathogenic for mucopolysacharidosis type I. IDUA-specific ACMG/AMP criteria applied, as specified by the ClinGen Lysosomal Diseases Variant Curation Expert Panel (Specifications Version 1.2.0.): PVS1, PP4_Moderate, PM2_Supporting, PM3_Supporting (Classification approved by the ClinGen Lysosomal Diseases Variant Curation Expert Panel on July 16, 2026)

Natera, Inc.
Classification: Pathogenic for Mucopolysaccharidosis type I. Last evaluated: 2024-12-17. Review status: criteria provided, single submitter. Criteria: Natera Variant Classification Schema (03/2026). Collection method: clinical testing. Allele origin: germline. Not counted in ClinVar's aggregate classification.
Comment: The c.1210G>T variant in IDUA is a nonsense variant predicted to introduce a stop codon at amino acid 404. This variant is expected to result in nonsense mediated decay, truncation, or a dysfunctional protein product. This variant is rare in the general population with a frequency below the threshold expected for the associated phenotype(s). This variant has been observed in one or more individuals affected with the associated recessive disease, as either homozygous or compound heterozygous with a second variant (PMID: 21480867). Given the available evidence, this variant is classified as Pathogenic.

Labcorp Genetics (formerly Invitae), Labcorp
Classification: Pathogenic for Mucopolysaccharidosis type 1. Last evaluated: 2024-12-04. Review status: criteria provided, single submitter. Criteria: Invitae Variant Classification Sherloc (09022015). Collection method: clinical testing. Allele origin: germline. Not counted in ClinVar's aggregate classification.
Comment: This sequence change creates a premature translational stop signal (p.Glu404*) in the IDUA gene. It is expected to result in an absent or disrupted protein product. Loss-of-function variants in IDUA are known to be pathogenic (PMID: 11735025, 21480867). This variant is not present in population databases (gnomAD no frequency). This premature translational stop signal has been observed in individual(s) with mucopolysaccharidosis type I (PMID: 7550242, 21480867, 27896125). ClinVar contains an entry for this variant (Variation ID: 552095). For these reasons, this variant has been classified as Pathogenic.

Women's Health and Genetics/Laboratory Corporation of America, LabCorp
Classification: Pathogenic for Mucopolysaccharidosis type I. Last evaluated: 2018-02-09. Review status: criteria provided, single submitter. Criteria: LabCorp Variant Classification Summary - May 2015. Collection method: clinical testing. Allele origin: germline. Not counted in ClinVar's aggregate classification.
Comment: Variant summary: IDUA c.1210G>T (p.Glu404X) results in a premature termination codon, predicted to cause a truncation of the encoded protein or absence of the protein due to nonsense mediated decay, which are commonly known mechanisms for disease. The variant was absent in 10282 control chromosomes (ExAC). The variant, c.1210G>T, has been reported in the literature in multiple individuals affected with Mucopolysaccharidosis Type 1. These data indicate that the variant is very likely to be associated with disease. To our knowledge, no experimental evidence demonstrating an impact on protein function has been reported. No clinical diagnostic laboratories have submitted clinical-significance assessments for this variant to ClinVar after 2014. Based on the evidence outlined above, the variant was classified as pathogenic.

Counsyl
Classification: Pathogenic for Hurler syndrome. Last evaluated: 2017-05-22. Review status: no assertion criteria provided. Collection method: clinical testing. Allele origin: unknown. Not counted in ClinVar's aggregate classification.

Literature cited by the submitters: PubMed 21480867 (cited by 4 submitters); PubMed 11735025 (cited by Labcorp Genetics (formerly Invitae), Labcorp); PubMed 7550242 (cited by Labcorp Genetics (formerly Invitae), Labcorp and Women's Health and Genetics/Laboratory Corporation of America, LabCorp); PubMed 27896125 (cited by Labcorp Genetics (formerly Invitae), Labcorp and Women's Health and Genetics/Laboratory Corporation of America, LabCorp).

NM_000203.5(IDUA):c.1210G>T (p.Glu404Ter)

Gene: IDUA (alpha-L-iduronidase; plus strand). Cytogenetic location: 4p16.3.
Variant type: single nucleotide variant.
Coding change: c.1210G>T on transcript NM_000203.5 (MANE Select); coding-DNA position 1210, G replaced by T.
Protein change: p.Glu404Ter; replaces glutamic acid 404 with a stop codon.
Molecular consequence: nonsense. On other transcripts: non-coding transcript variant (1).
Genome position (GRCh38, 1-based): chr4:1,002,752, G>T. VCF-style: chr4-1002752-G-T. GRCh37 (hg19) VCF-style: chr4-996540-G-T.
Other names: NM_000203.5(IDUA):c.1210G>T; p.Glu404Ter; c.814G>T, p.Glu272Ter (NM_001363576.1); c.1210G>T (NM_000203.4); short protein forms E404*, E272*.
Identifiers: ClinVar variation 552095 (VCV000552095.15), dbSNP rs1340421020, ClinGen allele CA355963563.
Genomic context (GRCh38, chr4:1,002,752, plus strand): 5'-CAACGACCCCACGCGGCGACGGCCCCCCCCCGCCCCGCAGATGAGGAGCAGCTCTGGGCC[G>T]AAGTGTCGCAGGCCGGGACCGTCCTGGACAGCAACCACACGGTGGGCGTCCTGGCCAGCG-3'